The following is an entry in ClinVar:

ClinVar aggregate classification (germline): Uncertain significance (1 of 4 stars; one submission).

Conditions:
Hereditary cancer-predisposing syndrome. Also called: Hereditary neoplastic syndrome; Hereditary Cancer Syndrome; Neoplastic Syndromes, Hereditary; Tumor predisposition. Identifiers: Orphanet 140162, MedGen C0027672, MeSH D009386, MONDO:0015356.

Submission:

Ambry Genetics
Classification: Uncertain significance for Hereditary cancer-predisposing syndrome. Last evaluated: 2023-05-17. Review status: criteria provided, single submitter. Criteria: Ambry Variant Classification Scheme 2023. Collection method: clinical testing. Allele origin: germline.
Comment: The p.I1187N variant (also known as c.3560T>A), located in coding exon 15 of the APC gene, results from a T to A substitution at nucleotide position 3560. The isoleucine at codon 1187 is replaced by asparagine, an amino acid with dissimilar properties. This amino acid position is not well conserved in available vertebrate species. In addition, in silico predictors for this gene do not accurately predict pathogenicity. Since supporting evidence is limited at this time, the clinical significance of this alteration remains unclear.

NM_000038.6(APC):c.3560T>A (p.Ile1187Asn)

Gene: APC (APC regulator of Wnt signaling pathway; plus strand). Cytogenetic location: 5q22.2.
Variant type: single nucleotide variant.
Coding change: c.3560T>A on transcript NM_000038.6 (MANE Select); coding-DNA position 3560, T replaced by A.
Protein change: p.Ile1187Asn; replaces isoleucine 1187 with asparagine.
Molecular consequence: missense variant. On other transcripts: non-coding transcript variant (2).
Genome position (GRCh38, 1-based): chr5:112,839,154, T>A. VCF-style: chr5-112839154-T-A. GRCh37 (hg19) VCF-style: chr5-112174851-T-A.
Other names: c.3560T>A, p.Ile1187Asn (NM_001127510.3, NM_001354895.2, NM_001407450.1); c.3506T>A, p.Ile1169Asn (NM_001127511.3); c.3614T>A, p.Ile1205Asn (NM_001354896.2, NM_001407447.1, NM_001407448.1 and 1 more transcripts); c.3590T>A, p.Ile1197Asn (NM_001354897.2); c.3485T>A, p.Ile1162Asn (NM_001354898.2); c.3476T>A, p.Ile1159Asn (NM_001354899.2); c.3437T>A, p.Ile1146Asn (NM_001354900.2); c.3383T>A, p.Ile1128Asn (NM_001354901.2, NM_001407453.1); and 11 more; short protein forms I1162N, I1169N, I1215N, I803N, I1027N, I1061N, I1146N, I1177N.
Identifiers: ClinVar variation 2567006 (VCV002567006.2), dbSNP rs730881246, ClinGen allele CA16029155.